The following is an entry in ClinVar:

NM_198253.3(TERT):c.702G>C (p.Leu234Phe)

Gene: TERT (telomerase reverse transcriptase; minus strand). Cytogenetic location: 5p15.33.
Variant type: single nucleotide variant.
Coding change: c.702G>C on transcript NM_198253.3 (MANE Select); coding-DNA position 702, G replaced by C.
Protein change: p.Leu234Phe; replaces leucine 234 with phenylalanine.
Molecular consequence: missense variant. On other transcripts: non-coding transcript variant (2).
Genome position (GRCh38, 1-based): chr5:1,294,184, C>G on the plus strand (G>C on the coding strand, the complement: TERT is on the minus strand). VCF-style: chr5-1294184-C-G. GRCh37 (hg19) VCF-style: chr5-1294299-C-G.
Other names: c.702G>C, p.Leu234Phe (NM_001193376.3); short protein forms L234F.
Identifiers: ClinVar variation 574022 (VCV000574022.17), dbSNP rs754359147, ClinGen allele CA3184929.

ClinVar aggregate classification (germline): Conflicting classifications of pathogenicity. Review status: criteria provided, conflicting classifications (1 of 4 stars). 3 submissions from 3 submitters: Uncertain significance (2); Likely benign (1). Last evaluated 2025-10-17.

Conditions:
Dyskeratosis congenita. Identifiers: Orphanet 1775, MedGen C0265965, MONDO:0015780.
Idiopathic Pulmonary Fibrosis. Also called: Idiopathic fibrosing alveolitis, chronic form; idiopathic fibrosing alveolitis. Identifiers: Orphanet 2032, MedGen C1800706, MeSH D054990, MONDO:0800504.
Dyskeratosis congenita, autosomal dominant 2. Identifiers: MedGen C3151443, MONDO:0013521, OMIM 613989.

Allele frequency attached by ClinVar (database versions not stated): gnomAD 0.00001; gnomAD exomes 0.00001; TOPMed 0.00001; ExAC 0.00002.
gnomAD v4.1: 4 of 1,582,574 alleles (0.00025%); highest among the groups gnomAD compares: Admixed American, 0.0069%; no homozygotes.

Submissions (3):

Labcorp Genetics (formerly Invitae), Labcorp
Classification: Likely benign for Dyskeratosis congenita, autosomal dominant 2; Idiopathic Pulmonary Fibrosis. Last evaluated: 2025-10-17. Review status: criteria provided, single submitter. Criteria: Invitae Variant Classification Sherloc (09022015). Collection method: clinical testing. Allele origin: germline.

Ambry Genetics
Classification: Uncertain significance for Dyskeratosis congenita. Last evaluated: 2025-01-15. Review status: criteria provided, single submitter. Criteria: Ambry Variant Classification Scheme 2023. Collection method: clinical testing. Allele origin: germline.
Comment: The p.L234F variant (also known as c.702G>C), located in coding exon 2 of the TERT gene, results from a G to C substitution at nucleotide position 702. The leucine at codon 234 is replaced by phenylalanine, an amino acid with highly similar properties. This amino acid position is conserved. In addition, this alteration is predicted to be tolerated by in silico analysis. Since supporting evidence is limited at this time, the clinical significance of this alteration remains unclear.

St. Jude Molecular Pathology, St. Jude Children's Research Hospital
Classification: Uncertain significance for Dyskeratosis congenita. Last evaluated: 2021-08-19. Review status: criteria provided, single submitter. Criteria: St. Jude Assertion Criteria 2020. Collection method: clinical testing. Allele origin: germline.
Comment: The TERT c.702G>C (p.Leu234Phe) missense change has a maximum subpopulation frequency of 0.0063% in gnomAD v2.1.1. This variant occurs in a gene where missense variants are more likely to be damaging based on methods described by Lek et al. (PP2; PMID: 27535533). Six of seven in silico tools predict a benign effect of this variant on protein function (BP4), but to our knowledge these predictions have not been confirmed by functional assays. To our knowledge, this variant has not been reported in individuals with clinical features of dyskeratosis congenita. In summary, this variant meets criteria to be classified as of uncertain significance based on the ACMG/AMP criteria: PP2, BP4.